The following is an entry in ClinVar:

ClinVar aggregate classification (germline): Uncertain significance (1 of 4 stars; one submission).

Conditions:
Dilated cardiomyopathy 1O (CMD1O). Also called: CARDIOMYOPATHY, DILATED, WITH VENTRICULAR TACHYCARDIA. Identifiers: Orphanet 154, MedGen C1837839, MONDO:0012062, OMIM 608569.

Allele frequency attached by ClinVar (database versions not stated): gnomAD exomes below 0.00001; ExAC 0.00001.
gnomAD v4.1: 2 of 1,613,620 alleles (0.00012%); highest among the groups gnomAD compares: Non-Finnish European, 0.00017%; no homozygotes.

Submission:

Labcorp Genetics (formerly Invitae), Labcorp
Classification: Uncertain significance for Dilated cardiomyopathy 1O. Last evaluated: 2021-01-18. Review status: criteria provided, single submitter. Criteria: Invitae Variant Classification Sherloc (09022015). Collection method: clinical testing. Allele origin: germline.
Comment: Algorithms developed to predict the effect of missense changes on protein structure and function are either unavailable or do not agree on the potential impact of this missense change (SIFT: "Tolerated"; PolyPhen-2: "Possibly Damaging"; Align-GVGD: "Class C0"). This sequence change replaces arginine with proline at codon 1154 of the ABCC9 protein (p.Arg1154Pro). The arginine residue is moderately conserved and there is a moderate physicochemical difference between arginine and proline. This variant is present in population databases (rs387907209, ExAC 0.002%). This variant has not been reported in the literature in individuals with ABCC9-related conditions. This variant disrupts the p.Arg1154 amino acid residue in ABCC9. Other variant(s) that disrupt this residue have been determined to be pathogenic (PMID: 22608503). This suggests that this residue is clinically significant, and that variants that disrupt this residue are likely to be disease-causing. In summary, the available evidence is currently insufficient to determine the role of this variant in disease. Therefore, it has been classified as a Variant of Uncertain Significance.

Literature cited by the submitters: PubMed 22608503.

NM_020297.4(ABCC9):c.3461G>C (p.Arg1154Pro)

Gene: ABCC9 (ATP binding cassette subfamily C member 9; minus strand). Cytogenetic location: 12p12.1.
Variant type: single nucleotide variant.
Coding change: c.3461G>C on transcript NM_020297.4 (MANE Select); coding-DNA position 3461, G replaced by C.
Protein change: p.Arg1154Pro; replaces arginine 1154 with proline.
Molecular consequence: missense variant.
Genome position (GRCh38, 1-based): chr12:21,842,326, C>G on the plus strand (G>C on the coding strand, the complement: ABCC9 is on the minus strand). VCF-style: chr12-21842326-C-G. GRCh37 (hg19) VCF-style: chr12-21995260-C-G.
Other names: c.3461G>C, p.Arg1154Pro (NM_001377273.1, NM_005691.4); c.2594G>C, p.Arg865Pro (NM_001377274.1); short protein forms R1154P, R865P.
Identifiers: ClinVar variation 1403970 (VCV001403970.8), dbSNP rs387907209, ClinGen allele CA6481113.